The following is an entry in ClinVar:

ClinVar aggregate classification (germline): Likely benign (1 of 4 stars; one submission).

Conditions:
Progressive sclerosing poliodystrophy (MTDPS4A). Also called: Alpers-Huttenlocher Syndrome (AHS); Alpers Syndrome; ALPERS PROGRESSIVE INFANTILE POLIODYSTROPHY; Mitochondrial DNA depletion syndrome 4A (Alpers type); ALPERS DIFFUSE DEGENERATION OF CEREBRAL GRAY MATTER WITH HEPATIC CIRRHOSIS; Alpers-Huttenlocher Syndrome. Identifiers: Orphanet 726, MedGen C0205710, MONDO:0008758, OMIM 203700.

gnomAD v4.1: 1 of 1,613,860 alleles (0.000062%); highest among the groups gnomAD compares: Non-Finnish European, 0.000085%; no homozygotes.

Submission:

Wong Mito Lab, Molecular and Human Genetics, Baylor College of Medicine
Classification: Likely benign for Progressive sclerosing poliodystrophy. Last evaluated: 2018-10-01. Review status: criteria provided, single submitter. Criteria: ACMG Guidelines, 2015. Collection method: clinical testing. Allele origin: germline.
Comment: The NM_002693.2:c.2896C>T (NP_002684.1:p.Leu966=) [GRCH38: NC_000015.10:g.89320851G>A] variant in POLG gene is interpretated to be a Likely Benign based on ACMG guidelines (PMID: 25741868). This variant meets the following evidence codes reported in the ACMG-guideline. BP4:Computational evidence/predictors indicate no impact on the POLG structure, function, or protein-protein interaction. BP7:The variant is silent with non predicted splice impact. Based on the evidence criteria codes applied, the variant is suggested to be Likely Benign.

NM_002693.3(POLG):c.2896C>T (p.Leu966=)

Gene: POLG (DNA polymerase gamma, catalytic subunit; minus strand). Cytogenetic location: 15q26.1.
Variant type: single nucleotide variant.
Coding change: c.2896C>T on transcript NM_002693.3 (MANE Select); coding-DNA position 2896, C replaced by T.
Protein change: p.Leu966=; no amino-acid change (leucine 966 retained).
Molecular consequence: synonymous variant.
Genome position (GRCh38, 1-based): chr15:89,320,851, G>A on the plus strand (C>T on the coding strand, the complement: POLG is on the minus strand). VCF-style: chr15-89320851-G-A. GRCh37 (hg19) VCF-style: chr15-89864082-G-A.
Other names: c.2896C>T, p.Leu966= (NM_001126131.2).
Identifiers: ClinVar variation 619472 (VCV000619472.1), dbSNP rs1187151579, ClinGen allele CA10602249.